The following is an entry in ClinVar:

ClinVar aggregate classification (germline): Uncertain significance (1 of 4 stars; one submission).

Conditions:
Hereditary cancer-predisposing syndrome. Also called: Hereditary neoplastic syndrome; Neoplastic Syndromes, Hereditary; Tumor predisposition; Hereditary Cancer Syndrome. Identifiers: Orphanet 140162, MedGen C0027672, MeSH D009386, MONDO:0015356.

Submission:

Ambry Genetics
Classification: Uncertain significance for Hereditary cancer-predisposing syndrome. Last evaluated: 2025-01-27. Review status: criteria provided, single submitter. Criteria: Ambry Variant Classification Scheme 2023. Collection method: clinical testing. Allele origin: germline.
Comment: The p.P182L variant (also known as c.545C>T), located in coding exon 3 of the CHEK2 gene, results from a C to T substitution at nucleotide position 545. The proline at codon 182 is replaced by leucine, an amino acid with similar properties. This amino acid position is highly conserved in available vertebrate species. In addition, the in silico prediction for this alteration is inconclusive. Based on the available evidence, the clinical significance of this variant remains unclear.

NM_007194.4(CHEK2):c.545C>T (p.Pro182Leu)

Gene: CHEK2 (checkpoint kinase 2; minus strand). Cytogenetic location: 22q12.1.
Variant type: single nucleotide variant.
Coding change: c.545C>T on transcript NM_007194.4 (MANE Select); coding-DNA position 545, C replaced by T.
Protein change: p.Pro182Leu; replaces proline 182 with leucine.
Molecular consequence: missense variant. On other transcripts: 5 prime UTR variant (2), intron variant (1).
Genome position (GRCh38, 1-based): chr22:28,725,024, G>A on the plus strand (C>T on the coding strand, the complement: CHEK2 is on the minus strand). VCF-style: chr22-28725024-G-A. GRCh37 (hg19) VCF-style: chr22-29121012-G-A.
Other names: c.674C>T, p.Pro225Leu (NM_001005735.3, NM_001438294.1); c.-233C>T (NM_001257387.3); c.-119C>T (NM_001437942.1); c.638C>T, p.Pro213Leu (NM_001438293.1, NM_001438295.1); c.545C>T, p.Pro182Leu (NM_145862.3); c.445-101C>T (NM_001349956.3); short protein forms P182L, P225L, P213L.
Identifiers: ClinVar variation 3832933 (VCV003832933.1).